The following is an entry in ClinVar:

ClinVar aggregate classification (germline): Conflicting classifications of pathogenicity. Review status: criteria provided, conflicting classifications (1 of 4 stars). 18 submissions from 18 submitters: Uncertain significance (10); Benign (1); Likely benign (4). 3 of the submissions do not count toward it. Last evaluated 2026-07-17.

Conditions:
Breast-ovarian cancer, familial, susceptibility to, 5 (BROVCA5). Identifiers: MedGen C5830615, MONDO:0957530, OMIM 620442.
PALB2-related disorder. Also called: PALB2-related disorders; PALB2-related condition.
Hereditary cancer-predisposing syndrome. Also called: Neoplastic Syndromes, Hereditary; Tumor predisposition; Hereditary Cancer Syndrome; Hereditary neoplastic syndrome. Identifiers: Orphanet 140162, MedGen C0027672, MeSH D009386, MONDO:0015356.
Familial cancer of breast. Also called: hereditary breast carcinoma; Hereditary breast cancer; BREAST CANCER, FAMILIAL. Identifiers: Orphanet 227535, MedGen C0346153, MONDO:0016419, OMIM 114480. Disease mechanism: loss of function.
Fanconi anemia complementation group N. Also called: PALB2-Related Fanconi Anemia. Identifiers: Orphanet 84, MedGen C1835817, MONDO:0012565, OMIM 610832. Disease mechanism: loss of function.
Pancreatic cancer, susceptibility to, 3. Identifiers: Orphanet 1333, MedGen C3150547, MONDO:0013236, OMIM 613348.
Malignant tumor of breast. Also called: Cancer breast; Malignant breast neoplasm. Identifiers: MedGen C0006142, MONDO:0007254. Disease mechanism: loss of function.

Allele frequency attached by ClinVar (database versions not stated): ExAC 0.00007; TOPMed 0.00007; gnomAD 0.00009; gnomAD exomes 0.00009.
gnomAD v4.1: 171 of 1,613,890 alleles (0.011%); highest among the groups gnomAD compares: Non-Finnish European, 0.013%; no homozygotes.

Submissions 1 to 10 of 18:

PreventionGenetics, part of Exact Sciences
Classification: Uncertain significance for PALB2-related condition. Last evaluated: 2026-07-17. Review status: criteria provided, single submitter. Criteria: ACMG Guidelines, 2015. Collection method: clinical testing. Allele origin: germline.
Comment: The PALB2 c.3251C>T variant is predicted to result in the amino acid substitution p.Ser1084Leu. This variant has been documented in individuals with triple negative breast and ovarian cancers, but was also identified in an unaffected control cohort (Wong-Brown et al. 2014. PubMed ID: 23824750; Ramus et al. 2015, Table S4. PubMed ID: 26315354; Kluska et al. 2017. PubMed ID: 28279176). This variant is reported in 0.019% of alleles in individuals of European (non-Finnish) descent in gnomAD and has conflicting interpretations regarding its pathogenicity in ClinVar, ranging from uncertain significance to benign (Variation ID: 126727). At this time, the clinical significance of this variant is uncertain due to the absence of conclusive functional and genetic evidence.

Labcorp Genetics (formerly Invitae), Labcorp
Classification: Uncertain significance for Familial cancer of breast. Last evaluated: 2026-02-03. Review status: criteria provided, single submitter. Criteria: Invitae Variant Classification Sherloc (09022015). Collection method: clinical testing. Allele origin: germline.
Comment: This sequence change replaces serine, which is neutral and polar, with leucine, which is neutral and non-polar, at codon 1084 of the PALB2 protein (p.Ser1084Leu). This variant is present in population databases (rs62625271, gnomAD 0.02%). This missense change has been observed in individual(s) with breast cancer and ovarian cancer (PMID: 23824750, 26315354, 32048105, 35263119). ClinVar contains an entry for this variant (Variation ID: 126727). An algorithm developed to predict the effect of missense changes on protein structure and function outputs the following: PolyPhen-2: "Benign". The leucine amino acid residue is found in multiple mammalian species, which suggests that this missense change does not adversely affect protein function. Experimental studies are conflicting or provide insufficient evidence to determine the effect of this variant on PALB2 function (PMID: 31586400, 32048105). RNA analysis performed to evaluate the impact of this missense change on mRNA splicing indicates it does not significantly alter splicing (internal data). In summary, the available evidence is currently insufficient to determine the role of this variant in disease. Therefore, it has been classified as a Variant of Uncertain Significance.

Women's Health and Genetics/Laboratory Corporation of America, LabCorp
Classification: Uncertain significance. Last evaluated: 2025-12-16. Review status: criteria provided, single submitter. Criteria: LabCorp Variant Classification Summary - May 2015. Collection method: clinical testing. Allele origin: germline.
Comment: Variant summary: PALB2 c.3251C>T (p.Ser1084Leu) results in a non-conservative amino acid change in the encoded protein sequence. Algorithms developed to predict the effect of missense changes on protein structure and function are either unavailable or do not agree on the potential impact of this missense change. The variant allele was found at a frequency of 9.1e-05 in 251478 control chromosomes (gnomAD). This frequency is not significantly higher than estimated for disease-causing variants in PALB2, allowing no conclusion about variant significance. c.3251C>T has been observed in non-cancer control individuals (e.g. Momozawa_2018, Kaemer_2019, Rahman_2010, Ramus_2015) and also in individuals affected with breast cancer (including triple-negative breast cancer), epithelial ovarian cancer or tubo-ovarian cancer, without evidence for causality (e.g. Wong-Brown_2014, Ramus_2015, Toh_2020, Delahunty_2022). These reports do not provide unequivocal conclusions about association of the variant with Fanconi Anemia Type N. At least one publication reports experimental evidence evaluating an impact on protein function. These results showed no damaging effect of this variant in vitro in a PARP2-inhibitor sensitivity assay or yeast-two hybrid assay (e.g. Rodrigue_2019). The following publications have been ascertained in the context of this evaluation (PMID: 35263119, 31422574, 30287823, 17200668, 26315354, 31586400, 32048105, 23824750). ClinVar contains an entry for this variant (Variation ID: 126727). Based on the evidence outlined above, the variant was classified as uncertain significance.

Quest Diagnostics Nichols Institute San Juan Capistrano
Classification: Uncertain significance. Last evaluated: 2025-08-13. Review status: criteria provided, single submitter. Criteria: Quest Diagnostics criteria. Collection method: clinical testing. Allele origin: unknown.
Comment: The PALB2 c.3251C>T (p.Ser1084Leu) variant has been reported in individuals with breast cancer (PMID: 32885271 (2021), 30287823 (2018), 29522266 (2018), 28779002 (2017), 23824750 (2014)) and ovarian cancer (PMID: 35263119 (2022), 23824750 (2021)). This variant has also been observed in reportedly unaffected individuals (PMID: 36243179 (2022), 31214711 (2020), 26315354 (2015), 17200668 (2007)). A functional study has demonstrated neutral effects of this variant on BRCA2-protein interaction and cell survival based on DNA damage response (PMID: 31586400 (2019)). However, another study showed this variant caused a loss of PALB2 nuclear localization and recruitment of the RAD51 protein involved in DNA damage repair (PMID: 32048105 (2020)). The frequency of this variant in the general population (Genome Aggregation Database) is uninformative in the assessment of its pathogenicity. Analysis of this variant using bioinformatics tools for the prediction of the effect of amino acid changes on protein structure and function yielded predictions that this variant is benign. Based on the available information, we are unable to determine the clinical significance of this variant.

Center for Genomic Medicine, Rigshospitalet, Copenhagen University Hospital
Classification: Likely benign. Last evaluated: 2025-03-04. Review status: criteria provided, single submitter. Criteria: ACMG Guidelines, 2015. Collection method: clinical testing. Allele origin: germline.

Dasa
Classification: Likely benign for Breast-ovarian cancer, familial, susceptibility to, 5. Last evaluated: 2024-12-10. Review status: criteria provided, single submitter. Criteria: DASA Assertion Criteria. Collection method: clinical testing. Allele origin: germline.
Comment: NM_024675.4(PALB2):c.3251C>T (p.Ser1084Leu) is a missense variant that results in the substitution of serine with leucine. Computational prediction algorithms are consistent with a benign effect. Therefore, based on the currently available evidence, this variant is classified as likely benign.

GeneDx
Classification: Uncertain significance. Last evaluated: 2023-11-08. Review status: criteria provided, single submitter. Criteria: GeneDx Variant Classification Process June 2021. Collection method: clinical testing. Allele origin: germline. Affected: yes.
Comment: Published functional studies are conflicting: decreased homologous recombination and reduced nuclear localization; BRCA1 interaction and cell survival after exposure to olaparib similar to wild type (PMID: 31586400, 32048105); Observed in several individuals with breast or ovarian cancer, but has also been seen in multiple unaffected controls (PMID: 17200668, 23824750, 26315354, 28779002, 29522266, 30287823, 32048105, 36243179); In silico analysis supports that this missense variant does not alter protein structure/function; This variant is associated with the following publications: (PMID: 28279176, 28779002, 23824750, 17200668, 26315354, 29522266, 30287823, 32048105, 31586400, 24485656, 19609323, 20871615, 36243179)

Mayo Clinic Laboratories, Mayo Clinic
Classification: Uncertain significance. Last evaluated: 2023-09-25. Review status: criteria provided, single submitter. Criteria: ACMG Guidelines, 2015. Collection method: clinical testing. Allele origin: germline. Observed: 1 variant allele.
Comment: BS1

Myriad Genetics, Inc.
Classification: Benign for Familial cancer of breast. Last evaluated: 2023-03-31. Review status: criteria provided, single submitter. Criteria: Myriad Autosomal Dominant, Autosomal Recessive and X-Linked Classification Criteria (2023). Collection method: clinical testing. Allele origin: unknown.
Comment: This variant is considered benign. This variant is strongly associated with less severe personal and family histories of cancer, typical for individuals without pathogenic variants in this gene [PMID: 25085752]. This variant has been observed in trans with a known pathogenic variant in one or more individuals lacking clinical features consistent with gene-specific recessive disease.

Institute for Clinical Genetics, University Hospital TU Dresden, University Hospital TU Dresden
Classification: Uncertain significance. Last evaluated: 2021-11-03. Review status: criteria provided, single submitter. Criteria: ACMG Guidelines, 2015. Collection method: clinical testing. Allele origin: germline.

NM_024675.4(PALB2):c.3251C>T (p.Ser1084Leu)

Gene: PALB2 (partner and localizer of BRCA2; minus strand). Cytogenetic location: 16p12.2.
Variant type: single nucleotide variant.
Coding change: c.3251C>T on transcript NM_024675.4 (MANE Select); coding-DNA position 3251, C replaced by T.
Protein change: p.Ser1084Leu; replaces serine 1084 with leucine.
Molecular consequence: missense variant.
Genome position (GRCh38, 1-based): chr16:23,607,963, G>A on the plus strand (C>T on the coding strand, the complement: PALB2 is on the minus strand). VCF-style: chr16-23607963-G-A. GRCh37 (hg19) VCF-style: chr16-23619284-G-A.
Other names: p.S1084L:TCG>TTG; short protein forms S1084L.
Identifiers: ClinVar variation 126727 (VCV000126727.60), dbSNP rs62625271, ClinGen allele CA239946.